The following is an entry in ClinVar:

NM_000532.5(PCCB):c.395_408del (p.Ser132fs)

Gene: PCCB (propionyl-CoA carboxylase subunit beta; plus strand). Cytogenetic location: 3q22.3.
Variant type: Deletion.
Coding change: c.395_408del on transcript NM_000532.5 (MANE Select); coding-DNA positions 395 to 408, 14 bases deleted (GTCTGTCAGGAGCA).
Protein change: p.Ser132fs; shifts the reading frame from serine 132.
Molecular consequence: frameshift variant.
Genome position (GRCh38, 1-based): chr3:136,260,501-136,260,514, GTCTGTCAGGAGCA deleted; deleting any 14 consecutive bases within chr3:136,260,498-136,260,514 gives the same sequence; the c. name uses the placement nearest the transcript's 3' end. VCF-style (leftmost placement, unchanged base first): chr3-136260497-GGCAGTCTGTCAGGA-G. GRCh37 (hg19) VCF-style: chr3-135979339-GGCAGTCTGTCAGGA-G.
Other names: c.455_468del, p.Ser152fs (NM_001178014.2); short protein forms S132fs, S152fs.
Identifiers: ClinVar variation 4086001 (VCV004086001.8).

ClinVar aggregate classification (germline): Pathogenic (1 of 4 stars; one submission).

Submission:

CeGaT Center for Human Genetics Tuebingen
Classification: Pathogenic. Last evaluated: 2025-08-01. Review status: criteria provided, single submitter. Criteria: CeGaT Center For Human Genetics Tuebingen Variant Classification Criteria Version 2. Collection method: clinical testing. Allele origin: germline. Affected: yes. Observed: 1 variant allele.
Comment: PCCB: PVS1, PM2